The following is an entry in ClinVar:

ClinVar aggregate classification (germline): Uncertain significance (1 of 4 stars; one submission).

Conditions:
Inborn genetic diseases. Identifiers: MedGen C0950123, MeSH D030342.

Submission:

Ambry Genetics
Classification: Uncertain significance for Inborn genetic diseases. Last evaluated: 2026-05-23. Review status: criteria provided, single submitter. Criteria: Ambry Variant Classification Scheme 2023. Collection method: clinical testing. Allele origin: germline.
Comment: The c.5791A>G (p.M1931V) alteration is located in exon 44 (coding exon 44) of the VPS13A gene. This alteration results from a A to G substitution at nucleotide position 5791, causing the methionine (M) at amino acid position 1931 to be replaced by a valine (V). Based on data from gnomAD, the G allele has an overall frequency of 0.001% (2/250574) total alleles studied. The highest observed frequency was 0.007% (2/30582) of South Asian alleles. Based on insufficient or conflicting evidence, the clinical significance of this alteration remains unclear.

NM_033305.3(VPS13A):c.5791A>G (p.Met1931Val)

Gene: VPS13A (vacuolar protein sorting 13 homolog A; plus strand). Cytogenetic location: 9q21.2.
Variant type: single nucleotide variant.
Coding change: c.5791A>G on transcript NM_033305.3 (MANE Select); coding-DNA position 5791, A replaced by G.
Protein change: p.Met1931Val; replaces methionine 1931 with valine.
Molecular consequence: missense variant.
Genome position (GRCh38, 1-based): chr9:77,321,707, A>G. VCF-style: chr9-77321707-A-G. GRCh37 (hg19) VCF-style: chr9-79936623-A-G.
Other names: c.5674A>G, p.Met1892Val (NM_001018037.2); c.5791A>G, p.Met1931Val (NM_001018038.3, NM_015186.4); short protein forms M1892V, M1931V.
Identifiers: ClinVar variation 4866423 (VCV004866423.1).
Genomic context (GRCh38, chr9:77,321,707, plus strand): 5'-AATGGAGAAAGTTTAAGTATGGATTATATCCGAACCAAGGACAATGATCATTTCAATGCA[A>G]TGACCAGCCTAAGCAGCAAACTCTTCTTCATTCTTCTTAGTAAGTAGTTGAAAAATTACC-3'
Protein context (NP_150648.2, residues 1921-1941): RTKDNDHFNA[Met1931Val]TSLSSKLFFI